The following is an entry in ClinVar:

ClinVar aggregate classification (germline): Uncertain significance. Review status: criteria provided, multiple submitters, no conflicts (2 of 4 stars). 2 submissions from 2 submitters: Uncertain significance (2). Last evaluated 2024-02-22.

Conditions:
Myofibrillar myopathy 5. Also called: Filaminopathy (type); FILAMINOPATHY, AUTOSOMAL DOMINANT. Identifiers: Orphanet 171445, MedGen C1836050, MONDO:0012289, OMIM 609524.
Distal myopathy with posterior leg and anterior hand involvement. Also called: WILLIAMS DISTAL MYOPATHY. Identifiers: Orphanet 63273, MedGen C3279722, MONDO:0013550, OMIM 614065.
Hypertrophic cardiomyopathy 26. Also called: Cardiomyopathy, familial hypertrophic, 26. Identifiers: Orphanet 75249, MedGen C4310749, MONDO:0014883, OMIM 617047.

Allele frequency attached by ClinVar (database versions not stated): TOPMed below 0.00001; ExAC 0.00001; gnomAD exomes 0.00001.
gnomAD v4.1: 9 of 1,607,426 alleles (0.00056%); highest among the groups gnomAD compares: Non-Finnish European, 0.00059%; no homozygotes.

Submissions (2):

Labcorp Genetics (formerly Invitae), Labcorp
Classification: Uncertain significance for Distal myopathy with posterior leg and anterior hand involvement; Myofibrillar myopathy 5; Hypertrophic cardiomyopathy 26. Last evaluated: 2024-02-22. Review status: criteria provided, single submitter. Criteria: Invitae Variant Classification Sherloc (09022015). Collection method: clinical testing. Allele origin: germline.
Comment: This sequence change replaces threonine, which is neutral and polar, with alanine, which is neutral and non-polar, at codon 1514 of the FLNC protein (p.Thr1514Ala). This variant is present in population databases (rs765591592, gnomAD 0.002%). This variant has not been reported in the literature in individuals affected with FLNC-related conditions. ClinVar contains an entry for this variant (Variation ID: 2441499). Advanced modeling of protein sequence and biophysical properties (such as structural, functional, and spatial information, amino acid conservation, physicochemical variation, residue mobility, and thermodynamic stability) has been performed at Invitae for this missense variant, however the output from this modeling did not meet the statistical confidence thresholds required to predict the impact of this variant on FLNC protein function. In summary, the available evidence is currently insufficient to determine the role of this variant in disease. Therefore, it has been classified as a Variant of Uncertain Significance.

Revvity Omics, Revvity
Classification: Uncertain significance. Last evaluated: 2019-01-14. Review status: criteria provided, single submitter. Criteria: ACMG Guidelines, 2015. Collection method: clinical testing. Allele origin: germline.

NM_001458.5(FLNC):c.4540A>G (p.Thr1514Ala)

Gene: FLNC (filamin C; plus strand). Cytogenetic location: 7q32.1.
Variant type: single nucleotide variant.
Coding change: c.4540A>G on transcript NM_001458.5 (MANE Select); coding-DNA position 4540, A replaced by G.
Protein change: p.Thr1514Ala; replaces threonine 1514 with alanine.
Molecular consequence: missense variant.
Genome position (GRCh38, 1-based): chr7:128,848,028, A>G. VCF-style: chr7-128848028-A-G. GRCh37 (hg19) VCF-style: chr7-128488082-A-G.
Other names: c.4540A>G, p.Thr1514Ala (NM_001127487.2); short protein forms T1514A.
Identifiers: ClinVar variation 2441499 (VCV002441499.6), dbSNP rs765591592, ClinGen allele CA4475372.
Genomic context (GRCh38, chr7:128,848,028, plus strand): 5'-CGGGACAATGGAGATGGCACCCACACTGTCCACTACACCCCAGCCACTGACGGGCCCTAC[A>G]CGGTAGCCGTCAAGTATGCTGACCAGGAGGTGCCACGCAGGTGAGGACCAGCCCTGGGCT-3'
Protein context (NP_001449.3, residues 1504-1524): HYTPATDGPY[Thr1514Ala]VAVKYADQEV